The following is an entry in ClinVar:

ClinVar aggregate classification (germline): Uncertain significance. Review status: criteria provided, multiple submitters, no conflicts (2 of 4 stars). 4 submissions from 4 submitters: Uncertain significance (4). Last evaluated 2024-09-26.

Conditions:
Inborn genetic diseases. Identifiers: MedGen C0950123, MeSH D030342.
Jeune thoracic dystrophy. Also called: Jeune syndrome; Infantile thoracic dystrophy; Thoracic pelvic phalangeal dystrophy; Jeune's syndrome; Chondroectodermal dysplasia-like syndrome; Short-rib thoracic dysplasia. Identifiers: Orphanet 474, MedGen C0265275, MONDO:0018770.
Asphyxiating thoracic dystrophy 3. Also called: SHORT-RIB THORACIC DYSPLASIA 3 WITH OR WITHOUT POLYDACTYLY; POLYDACTYLY WITH NEONATAL CHONDRODYSTROPHY, TYPE I; SHORT-RIB THORACIC DYSPLASIA 3/6 WITH POLYDACTYLY, DIGENIC; Short rib polydactyly syndrome 2B; Saldino-Noonan Syndrome. Identifiers: Orphanet 474, Orphanet 93269, Orphanet 93270, Orphanet 93271, MedGen C0036069, MONDO:0013127, OMIM 613091.

Allele frequency attached by ClinVar (database versions not stated): gnomAD exomes 0.00005 and 0.00007; ExAC 0.00009; TOPMed 0.00017; gnomAD 0.00018 and 0.00019.
gnomAD v4.1: 106 of 1,610,136 alleles (0.0066%); highest among the groups gnomAD compares: African/African-American, 0.028%; 1 homozygote.

Submissions (4):

Labcorp Genetics (formerly Invitae), Labcorp
Classification: Uncertain significance for Jeune thoracic dystrophy. Last evaluated: 2024-09-26. Review status: criteria provided, single submitter. Criteria: Invitae Variant Classification Sherloc (09022015). Collection method: clinical testing. Allele origin: germline.
Comment: This sequence change replaces arginine, which is basic and polar, with tryptophan, which is neutral and slightly polar, at codon 462 of the DYNC2H1 protein (p.Arg462Trp). This variant is present in population databases (rs768459821, gnomAD 0.03%). This variant has not been reported in the literature in individuals affected with DYNC2H1-related conditions. ClinVar contains an entry for this variant (Variation ID: 878815). Invitae Evidence Modeling of protein sequence and biophysical properties (such as structural, functional, and spatial information, amino acid conservation, physicochemical variation, residue mobility, and thermodynamic stability) indicates that this missense variant is expected to disrupt DYNC2H1 protein function with a positive predictive value of 95%. In summary, the available evidence is currently insufficient to determine the role of this variant in disease. Therefore, it has been classified as a Variant of Uncertain Significance.

Ambry Genetics
Classification: Uncertain significance for Inborn genetic diseases. Last evaluated: 2024-09-24. Review status: criteria provided, single submitter. Criteria: Ambry Variant Classification Scheme 2023. Collection method: clinical testing. Allele origin: germline.

Blueprint Genetics
Classification: Uncertain significance. Last evaluated: 2023-11-01. Review status: criteria provided, single submitter. Criteria: ACMG Guidelines, 2015. Collection method: clinical testing. Allele origin: germline.

Illumina Laboratory Services, Illumina
Classification: Uncertain significance for Asphyxiating thoracic dystrophy 3. Last evaluated: 2018-01-13. Review status: criteria provided, single submitter. Criteria: ICSL Variant Classification Criteria 13 December 2019. Collection method: clinical testing. Allele origin: germline.

NM_001377.3(DYNC2H1):c.1384C>T (p.Arg462Trp)

Gene: DYNC2H1 (dynein cytoplasmic 2 heavy chain 1; plus strand). Cytogenetic location: 11q22.3.
Variant type: single nucleotide variant.
Coding change: c.1384C>T on transcript NM_001377.3 (MANE Select); coding-DNA position 1384, C replaced by T.
Protein change: p.Arg462Trp; replaces arginine 462 with tryptophan.
Molecular consequence: missense variant.
Genome position (GRCh38, 1-based): chr11:103,121,395, C>T. VCF-style: chr11-103121395-C-T. GRCh37 (hg19) VCF-style: chr11-102992124-C-T.
Other names: c.1384C>T, p.Arg462Trp (NM_001080463.2); short protein forms R462W.
Identifiers: ClinVar variation 878815 (VCV000878815.11), dbSNP rs768459821, ClinGen allele CA6252757.